The following is an entry in ClinVar:

NM_002449.5(MSX2):c.202_210del (p.Glu68_Ala70del)

Gene: MSX2 (msh homeobox 2; plus strand). Cytogenetic location: 5q35.2.
Variant type: Deletion.
Coding change: c.202_210del on transcript NM_002449.5 (MANE Select); coding-DNA positions 202 to 210, 9 bases deleted (GAAAGCGCC; older notation c.202_210delGAAAGCGCC).
Protein change: p.Glu68_Ala70del.
Molecular consequence: inframe deletion.
Genome position (GRCh38, 1-based): chr5:174,724,861-174,724,869, GAAAGCGCC deleted; deleting any 9 consecutive bases within chr5:174,724,858-174,724,869 gives the same sequence; the c. name uses the placement nearest the transcript's 3' end. VCF-style (leftmost placement, unchanged base first): chr5-174724857-GGCCGAAAGC-G. GRCh37 (hg19) VCF-style: chr5-174151860-GGCCGAAAGC-G.
Other names: c.202_210del, p.Glu68_Ala70del (NM_001363626.2).
Identifiers: ClinVar variation 1708847 (VCV001708847.2), dbSNP rs1760744425, ClinGen allele CA1084605967.

ClinVar aggregate classification (germline): Uncertain significance (1 of 4 stars; one submission).

Submission:

GeneDx
Classification: Uncertain significance. Last evaluated: 2022-04-02. Review status: criteria provided, single submitter. Criteria: GeneDx Variant Classification Process June 2021. Collection method: clinical testing. Allele origin: germline. Affected: yes.
Comment: Not observed at significant frequency in large population cohorts (gnomAD); In-frame deletion of three amino acids in a non-repeat region; In silico analysis supports that this variant does not alter protein structure/function; Has not been previously published as pathogenic or benign to our knowledge